The following is an entry in ClinVar:

ClinVar aggregate classification (germline): Uncertain significance (1 of 4 stars; one submission).

Conditions:
BPTF-related disorder. Also called: BPTF-related condition.

Allele frequency attached by ClinVar (database versions not stated): gnomAD exomes 0.00001.
gnomAD v4.1: 3 of 1,613,872 alleles (0.00019%); highest among the groups gnomAD compares: Admixed American, 0.005%; no homozygotes.

Submission:

PreventionGenetics, part of Exact Sciences
Classification: Uncertain significance for BPTF-related condition. Last evaluated: 2022-11-08. Review status: criteria provided, single submitter. Criteria: ACMG Guidelines, 2015. Collection method: clinical testing. Allele origin: germline.
Comment: The BPTF c.6920C>G variant is predicted to result in the amino acid substitution p.Ser2307Cys. To our knowledge, this variant has not been reported in the literature. This variant is reported in 0.0058% of alleles in individuals of Latino descent in gnomAD. At this time, the clinical significance of this variant is uncertain due to the absence of conclusive functional and genetic evidence.

NM_182641.4(BPTF):c.6920C>G (p.Ser2307Cys)

Gene: BPTF (bromodomain PHD finger transcription factor; plus strand). Cytogenetic location: 17q24.2.
Variant type: single nucleotide variant.
Coding change: c.6920C>G on transcript NM_182641.4 (MANE Select); coding-DNA position 6920, C replaced by G.
Protein change: p.Ser2307Cys; replaces serine 2307 with cysteine.
Molecular consequence: missense variant.
Genome position (GRCh38, 1-based): chr17:67,945,628, C>G. VCF-style: chr17-67945628-C-G. GRCh37 (hg19) VCF-style: chr17-65941744-C-G.
Other names: c.7298C>G, p.Ser2433Cys (NM_004459.7); short protein forms S2307C, S2433C.
Identifiers: ClinVar variation 2635479 (VCV002635479.1), dbSNP rs1555674441, ClinGen allele CA400723984.